The following is an entry in ClinVar:

NM_005862.3(STAG1):c.471+4T>G

Gene: STAG1 (STAG1 cohesin complex component; minus strand). Cytogenetic location: 3q22.3.
Variant type: single nucleotide variant.
Coding change: c.471+4T>G on transcript NM_005862.3 (MANE Select); 4 bases into the intron after coding-DNA position 471, T replaced by G.
Molecular consequence: intron variant.
Genome position (GRCh38, 1-based): chr3:136,542,115, A>C on the plus strand (T>G on the coding strand, the complement: STAG1 is on the minus strand). VCF-style: chr3-136542115-A-C. GRCh37 (hg19) VCF-style: chr3-136260957-A-C.
Identifiers: ClinVar variation 1032367 (VCV001032367.1), dbSNP rs1308814193, ClinGen allele CA546475716.

ClinVar aggregate classification (germline): Uncertain significance (1 of 4 stars; one submission).

Conditions:
Intellectual developmental disorder, autosomal dominant 47. Also called: Intellectual disability, autosomal dominant 47; MENTAL RETARDATION, AUTOSOMAL DOMINANT 47. Identifiers: Orphanet 502434, MedGen C4539951, MONDO:0030912, OMIM 617635.

Allele frequency attached by ClinVar (database versions not stated): gnomAD 0.00002 and 0.00001; TOPMed 0.00002.
gnomAD v4.1: 2 of 1,603,116 alleles (0.00012%); highest among the groups gnomAD compares: African/African-American, 0.0013%; no homozygotes.

Submission:

Baylor Genetics
Classification: Uncertain significance for Intellectual developmental disorder, autosomal dominant 47. Last evaluated: 2018-01-13. Review status: criteria provided, single submitter. Criteria: ACMG Guidelines, 2015. Collection method: clinical testing. Allele origin: maternal. Affected: yes.
Comment: This variant was determined to be of uncertain significance according to ACMG Guidelines, 2015 [PMID:25741868].